The following is an entry in ClinVar:

NM_001367624.2(ZNF469):c.7573C>G (p.Pro2525Ala)

Gene: ZNF469 (zinc finger protein 469; plus strand). Cytogenetic location: 16q24.2.
Variant type: single nucleotide variant.
Coding change: c.7573C>G on transcript NM_001367624.2 (MANE Select); coding-DNA position 7573, C replaced by G.
Protein change: p.Pro2525Ala; replaces proline 2525 with alanine.
Molecular consequence: missense variant.
Genome position (GRCh38, 1-based): chr16:88,435,043, C>G. VCF-style: chr16-88435043-C-G. GRCh37 (hg19) VCF-style: chr16-88501451-C-G.
Other names: NM_001127464.1:c.7489C>G; p.Pro2525Ala; NM_001127464.2:c.7489C>G; short protein forms P2525A.
Identifiers: ClinVar variation 1254693 (VCV001254693.12), dbSNP rs574478833, ClinGen allele CA8225263.
Genomic context (GRCh38, chr16:88,435,043, plus strand): 5'-CCGAGCCCAGCGGCCTTGCCTGCTCAGCAGCCTCTAGAGCCCCTAGCCCAAAAGTGCCAG[C>G]CGCCCAGGAAGAAAAGCCACAGGGTGTCTGGGAAGGAGAGACCAAATCACTCACGGGGAG-3'
Protein context (NP_001354553.1, residues 2515-2535): PLEPLAQKCQ[Pro2525Ala]PRKKSHRVSG

ClinVar aggregate classification (germline): Conflicting classifications of pathogenicity. Review status: criteria provided, conflicting classifications (1 of 4 stars). 6 submissions from 6 submitters: Uncertain significance (3); Benign (1); Likely benign (2). Last evaluated 2025-12-04.

Conditions:
ZNF469-related disorder. Also called: ZNF469-related condition.
Cardiovascular phenotype. Identifiers: MedGen CN230736.

Allele frequency attached by ClinVar (database versions not stated): gnomAD exomes 0.00006 and 0.00011; ExAC 0.00017; gnomAD 0.00056 and 0.00061; 1000 Genomes Project 0.00060; TOPMed 0.00063; 1000 Genomes Project 30x 0.00078.
gnomAD v4.1: 163 of 1,550,374 alleles (0.011%); highest among the groups gnomAD compares: African/African-American, 0.21%; no homozygotes.

Submissions (6):

PreventionGenetics, part of Exact Sciences
Classification: Likely benign for ZNF469-related condition. Last evaluated: 2025-12-04. Review status: criteria provided, single submitter. Criteria: ACMG Guidelines, 2015. Collection method: clinical testing. Allele origin: germline.
Comment: This variant is classified as likely benign based on ACMG/AMP sequence variant interpretation guidelines (Richards et al. 2015 PMID: 25741868, with internal and published modifications).

GeneDx
Classification: Uncertain significance. Last evaluated: 2025-06-04. Review status: criteria provided, single submitter. Criteria: GeneDx Variant Classification Process June 2021. Collection method: clinical testing. Allele origin: germline. Affected: yes.
Comment: Has not been previously published as pathogenic or benign to our knowledge; In silico analysis suggests that this missense variant does not alter protein structure/function

Women's Health and Genetics/Laboratory Corporation of America, LabCorp
Classification: Uncertain significance. Last evaluated: 2025-02-11. Review status: criteria provided, single submitter. Criteria: LabCorp Variant Classification Summary - May 2015. Collection method: clinical testing. Allele origin: germline.
Comment: Variant summary: ZNF469 c.7573C>G (p.Pro2525Ala) results in a non-conservative amino acid change in the encoded protein sequence. Three of four in-silico tools predict a benign effect of the variant on protein function. The variant allele was found at a frequency of 0.00011 in 153452 control chromosomes. This frequency is not significantly higher than estimated for a pathogenic variant in ZNF469 causing Brittle cornea syndrome 1, allowing no conclusion about variant significance. To our knowledge, no occurrence of c.7573C>G in individuals affected with Brittle cornea syndrome 1 and no experimental evidence demonstrating its impact on protein function have been reported. ClinVar contains an entry for this variant (Variation ID: 1254693). Based on the evidence outlined above, the variant was classified as uncertain significance.

Mayo Clinic Laboratories, Mayo Clinic
Classification: Likely benign. Last evaluated: 2025-01-28. Review status: criteria provided, single submitter. Criteria: ACMG Guidelines, 2015. Collection method: clinical testing. Allele origin: germline. Observed: 1 variant allele.
Comment: BS1, BP4_moderate

Labcorp Genetics (formerly Invitae), Labcorp
Classification: Uncertain significance. Last evaluated: 2022-10-17. Review status: criteria provided, single submitter. Criteria: Invitae Variant Classification Sherloc (09022015). Collection method: clinical testing. Allele origin: germline.
Comment: This sequence change replaces proline, which is neutral and non-polar, with alanine, which is neutral and non-polar, at codon 2497 of the ZNF469 protein (p.Pro2497Ala). This variant is present in population databases (rs574478833, gnomAD 0.2%). This variant has not been reported in the literature in individuals affected with ZNF469-related conditions. ClinVar contains an entry for this variant (Variation ID: 1254693). Algorithms developed to predict the effect of missense changes on protein structure and function output the following: SIFT: "Tolerated"; PolyPhen-2: "Benign"; Align-GVGD: "Class C0". The alanine amino acid residue is found in multiple mammalian species, which suggests that this missense change does not adversely affect protein function. In summary, the available evidence is currently insufficient to determine the role of this variant in disease. Therefore, it has been classified as a Variant of Uncertain Significance.

Ambry Genetics
Classification: Benign for Cardiovascular phenotype. Last evaluated: 2020-11-18. Review status: criteria provided, single submitter. Criteria: Ambry Variant Classification Scheme 2023. Collection method: clinical testing. Allele origin: germline.